The following is an entry in ClinVar:

NM_173495.3(PTCHD1):c.2443G>A (p.Val815Met)

Gene: PTCHD1 (patched domain containing 1; plus strand). Cytogenetic location: Xp22.11.
Variant type: single nucleotide variant.
Coding change: c.2443G>A on transcript NM_173495.3 (MANE Select); coding-DNA position 2443, G replaced by A.
Protein change: p.Val815Met; replaces valine 815 with methionine.
Molecular consequence: missense variant.
Genome position (GRCh38, 1-based): chrX:23,393,961, G>A. VCF-style: chrX-23393961-G-A. GRCh37 (hg19) VCF-style: chrX-23412078-G-A.
Other names: short protein forms V815M.
Identifiers: ClinVar variation 4819046 (VCV004819046.1).
Genomic context (GRCh38, chrX:23,393,961, plus strand): 5'-GGGGTAGCTATTTTACAGAGTTACCTCTGCTATATTGTTGGTCTGATTCCTCTTGCAGCT[G>A]TGCCTTCAAATCTGACCTGTACACTGTTCAGGTGCTTGTTTTTAATAGCATTTGTCACCT-3'
Protein context (NP_775766.2, residues 805-825): YIVGLIPLAA[Val815Met]PSNLTCTLFR

ClinVar aggregate classification (germline): Uncertain significance (1 of 4 stars; one submission).

Conditions:
Non-syndromic X-linked intellectual disability (XLID). Also called: Mental retardation, nonsyndromic, X-linked. Identifiers: Orphanet 777, MedGen C3501611, MONDO:0019181.

Submission:

Victorian Clinical Genetics Services, Murdoch Childrens Research Institute
Classification: Uncertain significance for Non-syndromic X-linked intellectual disability. Last evaluated: 2025-11-28. Review status: criteria provided, single submitter. Criteria: ACMG Guidelines, 2015. Collection method: clinical testing. Allele origin: germline. Affected: yes.
Comment: This variant is classified as VUS-3B. Evidence in support of pathogenic classification: Variant is present in gnomAD <0.001 (v4: 1 heterozygote(s), 0 homozygote(s), 0 hemizygote(s)); Missense variant predicted to be damaging by in silico tool(s) or highly conserved with a major amino acid change. Additional information: Variant is predicted to result in a missense amino acid change from Val to Met; This variant is hemizygous; This gene is associated with X-linked disease; Alternative amino acid change(s) at the same position are present in gnomAD (highest allele count: v4: 1 heterozygote(s), 0 homozygote(s), 2 hemizygote(s)); This variant has no previous evidence of pathogenicity; No published evidence of segregation with disease has been identified for this variant; No published functional evidence has been identified for this variant; No comparable missense variants have previous evidence for pathogenicity; Variant is not located in an established domain, motif, hotspot or informative constraint region; Loss of function is a known mechanism of disease in this gene and is associated with non-syndromic X-linked intellectual disability (MONDO:0019181), PTCHD1-related; Variants in this gene are known to have variable expressivity (PMID: 25131214).

Literature cited by the submitters: PubMed 25131214.